The following is an entry in ClinVar:

NM_000219.6(KCNE1):c.76_92del (p.Asn26fs)

Gene: KCNE1 (potassium voltage-gated channel subfamily E regulatory subunit 1; minus strand). Cytogenetic location: 21q22.12.
Variant type: Deletion.
Coding change: c.76_92del on transcript NM_000219.6 (MANE Select); coding-DNA positions 76 to 92, 17 bases deleted (AACATGTCGGGCCTGGC).
Protein change: p.Asn26fs; shifts the reading frame from asparagine 26.
Molecular consequence: frameshift variant.
Genome position (GRCh38, 1-based): chr21:34,449,543-34,449,559, GCCAGGCCCGACATGTT deleted on the plus strand (AACATGTCGGGCCTGGC on the coding strand, the reverse complement: KCNE1 is on the minus strand); deleting any 17 consecutive bases within chr21:34,449,543-34,449,563 gives the same sequence; the c. name uses the placement nearest the transcript's 3' end. VCF-style (leftmost placement, unchanged base first): chr21-34449542-GGCCAGGCCCGACATGTT-G. GRCh37 (hg19) VCF-style: chr21-35821840-GGCCAGGCCCGACATGTT-G.
Other names: c.76_92del, p.Asn26fs (NM_001127668.4, NM_001127669.4, NM_001127670.4 and 4 more transcripts); short protein forms N26fs.
Identifiers: ClinVar variation 4724223 (VCV004724223.1).

ClinVar aggregate classification (germline): Pathogenic (1 of 4 stars; one submission).

Conditions:
Long QT syndrome (LQTS). Identifiers: MedGen C0023976, MeSH D008133, MONDO:0002442. Disease mechanism: loss of function. Inheritance: Various modes of inheritance.

Submission:

Labcorp Genetics (formerly Invitae), Labcorp
Classification: Pathogenic for Long QT syndrome. Last evaluated: 2025-07-29. Review status: criteria provided, single submitter. Criteria: Invitae Variant Classification Sherloc (09022015). Collection method: clinical testing. Allele origin: germline.
Comment: This sequence change creates a premature translational stop signal (p.Asn26Profs*8) in the KCNE1 gene. While this is not anticipated to result in nonsense mediated decay, it is expected to disrupt the last 104 amino acid(s) of the KCNE1 protein. This variant is not present in population databases (gnomAD no frequency). This variant has not been reported in the literature in individuals affected with KCNE1-related conditions. This variant disrupts a region of the KCNE1 protein in which other variant(s) (p.Arg98Trp) have been determined to be pathogenic (PMID: 16922724, 17341399, 30530868). This suggests that this is a clinically significant region of the protein, and that variants that disrupt it are likely to be disease-causing. For these reasons, this variant has been classified as Pathogenic.

Literature cited by the submitters: PubMed 16922724; PubMed 17341399; PubMed 30530868.